The following is an entry in ClinVar:

NM_000548.5(TSC2):c.4586G>A (p.Arg1529Gln)

Gene: TSC2 (TSC complex subunit 2; plus strand). Cytogenetic location: 16p13.3.
Variant type: single nucleotide variant.
Coding change: c.4586G>A on transcript NM_000548.5 (MANE Select); coding-DNA position 4586, G replaced by A.
Protein change: p.Arg1529Gln; replaces arginine 1529 with glutamine.
Molecular consequence: missense variant.
Genome position (GRCh38, 1-based): chr16:2,085,246, G>A. VCF-style: chr16-2085246-G-A. GRCh37 (hg19) VCF-style: chr16-2135247-G-A.
Other names: c.4385G>A, p.Arg1462Gln (NM_001077183.3); c.4517G>A, p.Arg1506Gln (NM_001114382.3); c.4277G>A, p.Arg1426Gln (NM_001318827.2); c.4241G>A, p.Arg1414Gln (NM_001318829.2); c.3854G>A, p.Arg1285Gln (NM_001318831.2); c.4418G>A, p.Arg1473Gln (NM_001318832.2); c.4388G>A, p.Arg1463Gln (NM_001363528.2); c.4454G>A, p.Arg1485Gln (NM_001370404.1); and 1 more; short protein forms R1529Q, R1462Q, R1473Q, R1285Q, R1486Q, R1506Q, R1414Q, R1426Q.
Identifiers: ClinVar variation 468105 (VCV000468105.17), dbSNP rs769834772, ClinGen allele CA394304453.

ClinVar aggregate classification (germline): Conflicting classifications of pathogenicity. Review status: criteria provided, conflicting classifications (1 of 4 stars). 5 submissions from 5 submitters: Uncertain significance (4); Benign (1). Last evaluated 2025-12-08.

Conditions:
Tuberous sclerosis syndrome (TSC). Also called: Tuberous Sclerosis Complex; Tuberous sclerosis. Identifiers: Orphanet 805, MedGen C0041341, MONDO:0001734.
Tuberous sclerosis 2 (TSC2). Identifiers: Orphanet 805, MedGen C1860707, MONDO:0013199, OMIM 613254.
Hereditary cancer-predisposing syndrome. Also called: Hereditary neoplastic syndrome; Neoplastic Syndromes, Hereditary; Tumor predisposition; Hereditary Cancer Syndrome. Identifiers: Orphanet 140162, MedGen C0027672, MeSH D009386, MONDO:0015356.
Isolated focal cortical dysplasia type II (FCORD2). Also called: CORTICAL DYSPLASIA OF TAYLOR; Focal cortical dysplasia type II. Identifiers: Orphanet 268994, MedGen C1846385, MONDO:0011818, OMIM 607341, HP:0032051.
Lymphangiomyomatosis (LAM). Also called: Lymphangioleiomyomatosis; Lymphangioleiomyomatosis, somatic. Identifiers: Orphanet 538, MedGen C0751674, MONDO:0011705, OMIM 606690.

gnomAD v4.1: 18 of 1,612,742 alleles (0.0011%); highest among the groups gnomAD compares: South Asian, 0.0033%; no homozygotes.

Submissions (5):

Labcorp Genetics (formerly Invitae), Labcorp
Classification: Benign for Tuberous sclerosis 2. Last evaluated: 2025-12-08. Review status: criteria provided, single submitter. Criteria: Invitae Variant Classification Sherloc (09022015). Collection method: clinical testing. Allele origin: germline.

Color Diagnostics, LLC DBA Color Health
Classification: Uncertain significance for Tuberous sclerosis syndrome. Last evaluated: 2025-09-17. Review status: criteria provided, single submitter. Criteria: ACMG Guidelines, 2015. Collection method: clinical testing. Allele origin: germline.
Comment: This missense variant replaces arginine with glutamine at codon 1529 of the TSC2 protein. Computational prediction suggests that this variant may have deleterious impact on protein structure and function. Splice prediction tools suggest that this variant may disrupt RNA splicing. To our knowledge, RNA or protein studies have not been reported for this variant. This variant has not been reported in individuals affected with TSC2-related disorders in the literature. This variant has been identified in 2/249884 chromosomes in the general population by the Genome Aggregation Database (gnomAD). The available evidence is insufficient to determine the role of this variant in disease conclusively. Therefore, this variant is classified as a Variant of Uncertain Significance.

Ambry Genetics
Classification: Uncertain significance for Hereditary cancer-predisposing syndrome. Last evaluated: 2024-06-10. Review status: criteria provided, single submitter. Criteria: Ambry Variant Classification Scheme 2023. Collection method: clinical testing. Allele origin: germline.
Comment: The p.R1529Q variant (also known as c.4586G>A), located in coding exon 35 of the TSC2 gene, results from a G to A substitution at nucleotide position 4586. The arginine at codon 1529 is replaced by glutamine, an amino acid with highly similar properties. This amino acid position is highly conserved in available vertebrate species. In addition, this alteration is predicted to be deleterious by in silico analysis. Since supporting evidence is limited at this time, the clinical significance of this alteration remains unclear.

Fulgent Genetics
Classification: Uncertain significance for Lymphangiomyomatosis; Isolated focal cortical dysplasia type II; Tuberous sclerosis 2. Last evaluated: 2024-01-10. Review status: criteria provided, single submitter. Criteria: ACMG Guidelines, 2015. Collection method: clinical testing. Allele origin: germline.

All of Us Research Program, National Institutes of Health
Classification: Uncertain significance for Tuberous sclerosis syndrome. Last evaluated: 2023-03-23. Review status: criteria provided, single submitter. Criteria: ACMG Guidelines, 2015. Collection method: clinical testing. Allele origin: germline. Inheritance: Autosomal dominant inheritance. Observed: 1 variant allele, 1 heterozygote.
Comment: This missense variant replaces arginine with glutamine at codon 1529 of the TSC2 protein. Computational prediction suggests that this variant may have deleterious impact on protein structure and function (internally defined REVEL score threshold >= 0.7, PMID: 27666373). To our knowledge, functional studies have not been reported for this variant. This variant has not been reported in individuals affected with tuberous sclerosis complex in the literature. This variant has been identified in 2/249884 chromosomes in the general population by the Genome Aggregation Database (gnomAD). The available evidence is insufficient to determine the role of this variant in disease conclusively. Therefore, this variant is classified as a Variant of Uncertain Significance.

This study involves interpretation of variants in research participants for the purpose of population health screening. Participant phenotype was not available at the time of variant classification. Additional details can be found in publication PMID: 35346344, PMCID: PMC8962531

Literature cited by the submitters: PubMed 31875159 (cited by Ambry Genetics).